The following is an entry in ClinVar:

ClinVar aggregate classification (germline): Likely pathogenic (1 of 4 stars; one submission).

Conditions:
Tatton-Brown-Rahman overgrowth syndrome. Also called: Tall stature-intellectual disability-facial dysmorphism syndrome; Tatton-Brown-Rahman syndrome. Identifiers: Orphanet 404443, MedGen C4014545, MONDO:0014382, OMIM 615879.

Submission:

Illumina Laboratory Services, Illumina
Classification: Likely pathogenic for Tatton-Brown-Rahman overgrowth syndrome. Last evaluated: 2020-12-09. Review status: criteria provided, single submitter. Criteria: ICSLVariantClassificationCriteria RUGD 01 April 2020. Collection method: clinical testing. Allele origin: unknown.
Comment: The DNMT3A c.1851+3G>C variant is a splice region variant. A literature search was conducted for the gene and cDNA change. The c.1851+3G>C variant was reported in one study in which it was identified in a de novo heterozygous state in one individual with Tatton-Brown-Rahman Syndrome (Tatton-Brown et al. 2018). The c.1851+3G>C variant is not reported in the Genome Aggregation Database in a region of good sequencing coverage so the variant is presumed to be rare. This variant occurs between the ADD and methyltransferase domains, which are functionally important regions of the protein, but in silico tools do not provide consistent information on the effect of this variant on splicing. Based on the application of ACMG criteria, the c.1851+3G>C variant is classified as likely pathogenic for Tatton-Brown-Rahman syndrome.

Literature cited by the submitters: PubMed 29900417.

NM_022552.5(DNMT3A):c.1851+3G>C

Gene: DNMT3A (DNA methyltransferase 3 alpha; minus strand). Cytogenetic location: 2p23.3.
Variant type: single nucleotide variant.
Coding change: c.1851+3G>C on transcript NM_022552.5 (MANE Select); 3 bases into the intron after coding-DNA position 1851, G replaced by C.
Molecular consequence: intron variant.
Genome position (GRCh38, 1-based): chr2:25,244,152, C>G on the plus strand (G>C on the coding strand, the complement: DNMT3A is on the minus strand). VCF-style: chr2-25244152-C-G. GRCh37 (hg19) VCF-style: chr2-25467021-C-G.
Other names: c.1851+3G>C (NM_175629.2); c.1284+3G>C (NM_153759.3); c.1395+3G>C (NM_001320893.1); c.1182+3G>C (NM_001375819.1).
Identifiers: ClinVar variation 1199225 (VCV001199225.4), dbSNP rs2149288538, ClinGen allele CA2499215818.